The following is an entry in ClinVar:

NM_001349338.3(FOXP1):c.184C>T (p.Leu62Phe)

Gene: FOXP1 (forkhead box P1; minus strand). Cytogenetic location: 3p13.
Variant type: single nucleotide variant.
Coding change: c.184C>T on transcript NM_001349338.3 (MANE Select); coding-DNA position 184, C replaced by T.
Protein change: p.Leu62Phe; replaces leucine 62 with phenylalanine.
Molecular consequence: missense variant. On other transcripts: 5 prime UTR variant (5), non-coding transcript variant (2).
Genome position (GRCh38, 1-based): chr3:71,112,634, G>A on the plus strand (C>T on the coding strand, the complement: FOXP1 is on the minus strand). VCF-style: chr3-71112634-G-A. GRCh37 (hg19) VCF-style: chr3-71161785-G-A.
Other names: c.-117C>T (NM_001244815.2, NM_001349337.2, NM_001349342.3 and 2 more transcripts); c.184C>T, p.Leu62Phe (NM_001244816.2, NM_001349340.3, NM_001349341.3 and 5 more transcripts); short protein forms L62F.
Identifiers: ClinVar variation 1311378 (VCV001311378.5), dbSNP rs538443416, ClinGen allele CA77125875.

ClinVar aggregate classification (germline): Conflicting classifications of pathogenicity. Review status: criteria provided, conflicting classifications (1 of 4 stars). 2 submissions from 2 submitters: Uncertain significance (1); Likely benign (1). Last evaluated 2025-09-02.

Allele frequency attached by ClinVar (database versions not stated): gnomAD exomes below 0.00001; TOPMed below 0.00001.
gnomAD v4.1: 3 of 1,613,324 alleles (0.00019%); highest among the groups gnomAD compares: African/African-American, 0.0013%; no homozygotes.

Submissions (2):

Labcorp Genetics (formerly Invitae), Labcorp
Classification: Likely benign. Last evaluated: 2025-09-02. Review status: criteria provided, single submitter. Criteria: Invitae Variant Classification Sherloc (09022015). Collection method: clinical testing. Allele origin: germline.

GeneDx
Classification: Uncertain significance. Last evaluated: 2019-12-17. Review status: criteria provided, single submitter. Criteria: GeneDx Variant Classification Process June 2021. Collection method: clinical testing. Allele origin: germline. Affected: yes.
Comment: Not observed in large population cohorts (Lek et al., 2016); In silico analysis, which includes protein predictors and evolutionary conservation, supports that this variant does not alter protein structure/function; Has not been previously published as pathogenic or benign to our knowledge